The following is an entry in ClinVar:

ClinVar aggregate classification (germline): Benign (0 of 4 stars; one submission).

Conditions:
MYO7B-related disorder. Also called: MYO7B-related condition.

Allele frequency attached by ClinVar (database versions not stated): gnomAD exomes 0.00058; ExAC 0.00236; gnomAD 0.00526; TOPMed 0.00570; ESP Exome Variant Server 0.00575; 1000 Genomes Project 30x 0.00593; 1000 Genomes Project 0.00679.
gnomAD v4.1: 1,683 of 1,598,358 alleles (0.11%); highest among the groups gnomAD compares: African/African-American, 1.8%; 13 homozygotes.

Submission:

PreventionGenetics, part of Exact Sciences
Classification: Benign for MYO7B-related condition. Last evaluated: 2019-09-25. Review status: no assertion criteria provided. Collection method: clinical testing. Allele origin: germline.
Comment: This variant is classified as benign based on ACMG/AMP sequence variant interpretation guidelines (Richards et al. 2015 PMID: 25741868, with internal and published modifications).

NM_001393586.1(MYO7B):c.5883G>A (p.Ala1961=)

Gene: MYO7B (myosin VIIB; plus strand). Cytogenetic location: 2q14.3.
Variant type: single nucleotide variant.
Coding change: c.5883G>A on transcript NM_001393586.1 (MANE Select); coding-DNA position 5883, G replaced by A.
Protein change: p.Ala1961=; no amino-acid change (alanine 1961 retained).
Molecular consequence: synonymous variant.
Genome position (GRCh38, 1-based): chr2:127,635,784, G>A. VCF-style: chr2-127635784-G-A. GRCh37 (hg19) VCF-style: chr2-128393359-G-A.
Other names: c.5805G>A, p.Ala1935= (NM_001080527.2); c.2364G>A, p.Ala788= (NM_001393594.1).
Identifiers: ClinVar variation 3039996 (VCV003039996.2), dbSNP rs150007517, ClinGen allele CA1862468.